The following is an entry in ClinVar:

NM_001369369.1(FOXN1):c.968T>C (p.Leu323Pro)

Gene: FOXN1 (forkhead box N1; plus strand). Cytogenetic location: 17q11.2.
Variant type: single nucleotide variant.
Coding change: c.968T>C on transcript NM_001369369.1 (MANE Select); coding-DNA position 968, T replaced by C.
Protein change: p.Leu323Pro; replaces leucine 323 with proline.
Molecular consequence: missense variant.
Genome position (GRCh38, 1-based): chr17:28,534,371, T>C. VCF-style: chr17-28534371-T-C. GRCh37 (hg19) VCF-style: chr17-26861389-T-C.
Other names: c.968T>C, p.Leu323Pro (NM_003593.3); short protein forms L323P.
Identifiers: ClinVar variation 2815362 (VCV002815362.3), dbSNP rs2508422831, ClinGen allele CA398324506.

ClinVar aggregate classification (germline): Uncertain significance (1 of 4 stars; one submission).

Conditions:
T-cell immunodeficiency, congenital alopecia, and nail dystrophy. Also called: Congenital alopecia and nail dystrophy associated with severe functional T-cell immunodeficiency; Pignata Guarino syndrome. Identifiers: Orphanet 169095, MedGen C1866426, MONDO:0011132, OMIM 601705.

Submission:

Labcorp Genetics (formerly Invitae), Labcorp
Classification: Uncertain significance for T-cell immunodeficiency, congenital alopecia, and nail dystrophy. Last evaluated: 2023-07-18. Review status: criteria provided, single submitter. Criteria: Invitae Variant Classification Sherloc (09022015). Collection method: clinical testing. Allele origin: germline.
Comment: In summary, the available evidence is currently insufficient to determine the role of this variant in disease. Therefore, it has been classified as a Variant of Uncertain Significance. Advanced modeling of protein sequence and biophysical properties (such as structural, functional, and spatial information, amino acid conservation, physicochemical variation, residue mobility, and thermodynamic stability) performed at Invitae indicates that this missense variant is not expected to disrupt FOXN1 protein function. This variant has not been reported in the literature in individuals affected with FOXN1-related conditions. This variant is not present in population databases (gnomAD no frequency). This sequence change replaces leucine, which is neutral and non-polar, with proline, which is neutral and non-polar, at codon 323 of the FOXN1 protein (p.Leu323Pro).